The following is an entry in ClinVar:

NM_004615.4(TSPAN7):c.408G>C (p.Glu136Asp)

Gene: TSPAN7 (tetraspanin 7; plus strand). Cytogenetic location: Xp11.4.
Variant type: single nucleotide variant.
Coding change: c.408G>C on transcript NM_004615.4 (MANE Select); coding-DNA position 408, G replaced by C.
Protein change: p.Glu136Asp; replaces glutamic acid 136 with aspartic acid.
Molecular consequence: missense variant.
Genome position (GRCh38, 1-based): chrX:38,674,283, G>C. VCF-style: chrX-38674283-G-C. GRCh37 (hg19) VCF-style: chrX-38533537-G-C.
Other names: short protein forms E136D.
Identifiers: ClinVar variation 2273277 (VCV002273277.4), dbSNP rs778903482, ClinGen allele CA10386093.

ClinVar aggregate classification (germline): Uncertain significance. Review status: criteria provided, single submitter (1 of 4 stars). 2 submissions from 2 submitters: Uncertain significance (1). 1 of the submissions does not count toward it. Last evaluated 2021-12-02.

Conditions:
TSPAN7-related disorder. Also called: TSPAN7-related condition.

Allele frequency attached by ClinVar (database versions not stated): gnomAD 0.00003; gnomAD exomes 0.00010; ExAC 0.00043.
gnomAD v4.1: 109 of 1,196,735 alleles (0.0091%); highest among the groups gnomAD compares: South Asian, 0.2%; 2 homozygotes.

Submissions (2):

Ambry Genetics
Classification: Uncertain significance. Last evaluated: 2021-12-02. Review status: criteria provided, single submitter. Criteria: Ambry Variant Classification Scheme 2023. Collection method: clinical testing. Allele origin: germline.

PreventionGenetics, part of Exact Sciences
Classification: Likely benign for TSPAN7-related condition. Last evaluated: 2022-05-06. Review status: no assertion criteria provided. Collection method: clinical testing. Allele origin: germline. Not counted in ClinVar's aggregate classification.
Comment: This variant is classified as likely benign based on ACMG/AMP sequence variant interpretation guidelines (Richards et al. 2015 PMID: 25741868, with internal and published modifications).